The following is an entry in ClinVar:

NM_000400.4(ERCC2):c.1694A>G (p.Lys565Arg)

Gene: ERCC2 (ERCC excision repair 2, TFIIH core complex helicase subunit; minus strand). Cytogenetic location: 19q13.32.
Variant type: single nucleotide variant.
Coding change: c.1694A>G on transcript NM_000400.4 (MANE Select); coding-DNA position 1694, A replaced by G.
Protein change: p.Lys565Arg; replaces lysine 565 with arginine.
Molecular consequence: missense variant.
Genome position (GRCh38, 1-based): chr19:45,353,306, T>C on the plus strand (A>G on the coding strand, the complement: ERCC2 is on the minus strand). VCF-style: chr19-45353306-T-C. GRCh37 (hg19) VCF-style: chr19-45856564-T-C.
Other names: short protein forms K565R.
Identifiers: ClinVar variation 1778195 (VCV001778195.2), dbSNP rs1971891584, ClinGen allele CA406364484.

ClinVar aggregate classification (germline): Uncertain significance (1 of 4 stars; one submission).

Conditions:
Inborn genetic diseases. Identifiers: MedGen C0950123, MeSH D030342.

Allele frequency attached by ClinVar (database versions not stated): gnomAD 0.00001.
gnomAD v4.1: 1 of 1,613,840 alleles (0.000062%); highest among the groups gnomAD compares: Admixed American, 0.0017%; no homozygotes.

Submission:

Ambry Genetics
Classification: Uncertain significance for Inborn genetic diseases. Last evaluated: 2022-09-20. Review status: criteria provided, single submitter. Criteria: Ambry Variant Classification Scheme 2023. Collection method: clinical testing. Allele origin: germline.
Comment: The p.K565R variant (also known as c.1694A>G), located in coding exon 18 of the ERCC2 gene, results from an A to G substitution at nucleotide position 1694. The lysine at codon 565 is replaced by arginine, an amino acid with highly similar properties. This amino acid position is conserved. In addition, this alteration is predicted to be deleterious by in silico analysis. Since supporting evidence is limited at this time, the clinical significance of this alteration remains unclear.